The following is an entry in ClinVar:

ClinVar aggregate classification (germline): Uncertain significance (1 of 4 stars; one submission).

Allele frequency attached by ClinVar (database versions not stated): ESP Exome Variant Server 0.00008.
gnomAD v4.1: 29 of 1,614,068 alleles (0.0018%); highest among the groups gnomAD compares: South Asian, 0.012%; no homozygotes.

Submission:

Labcorp Genetics (formerly Invitae), Labcorp
Classification: Uncertain significance. Last evaluated: 2022-05-07. Review status: criteria provided, single submitter. Criteria: Invitae Variant Classification Sherloc (09022015). Collection method: clinical testing. Allele origin: germline.
Comment: In summary, the available evidence is currently insufficient to determine the role of this variant in disease. Therefore, it has been classified as a Variant of Uncertain Significance. Algorithms developed to predict the effect of missense changes on protein structure and function are either unavailable or do not agree on the potential impact of this missense change (SIFT: "Deleterious"; PolyPhen-2: "Probably Damaging"; Align-GVGD: "Class C0"). This variant has not been reported in the literature in individuals affected with DHX32-related conditions. This variant is present in population databases (rs374157987, gnomAD 0.006%). This sequence change replaces arginine, which is basic and polar, with leucine, which is neutral and non-polar, at codon 588 of the DHX32 protein (p.Arg588Leu).

NM_018180.3(DHX32):c.1763G>T (p.Arg588Leu)

Genes: BCCIP (BRCA2 and CDKN1A interacting protein; plus strand), DHX32 (DEAH-box helicase 32 (putative); minus strand). Cytogenetic location: 10q26.2.
Variant type: single nucleotide variant.
Coding change: c.1763G>T on transcript NM_018180.3 (MANE Select); coding-DNA position 1763, G replaced by T.
Protein change: p.Arg588Leu; replaces arginine 588 with leucine.
Molecular consequence: missense variant. On other transcripts: intron variant (2).
Genome position (GRCh38, 1-based): chr10:125,839,119, C>A on the plus strand (G>T on the coding strand, the complement: DHX32 is on the minus strand). VCF-style: chr10-125839119-C-A. GRCh37 (hg19) VCF-style: chr10-127527688-C-A.
Other names: c.775-2136C>A (NM_016567.4, NM_078469.3); short protein forms R588L.
Identifiers: ClinVar variation 1913535 (VCV001913535.4), dbSNP rs374157987, ClinGen allele CA5739057.